The following is an entry in ClinVar:

ClinVar aggregate classification (germline): Pathogenic. Review status: reviewed by expert panel (3 of 4 stars). 2 submissions from 2 submitters: Pathogenic (1). 1 of the submissions does not count toward it. Last evaluated 2017-12-15.

Conditions:
Breast-ovarian cancer, familial, susceptibility to, 2 (BROVCA2). Also called: BRCA2 Hereditary Breast and Ovarian Cancer. Identifiers: Orphanet 145, MedGen C2675520, MONDO:0012933, OMIM 612555. Disease mechanism: loss of function.

Submissions (2):

Evidence-based Network for the Interpretation of Germline Mutant Alleles (ENIGMA)
Classification: Pathogenic for Breast-ovarian cancer, familial, susceptibility to, 2. Last evaluated: 2017-12-15. Review status: reviewed by expert panel. Criteria: ENIGMA BRCA1/2 Classification Criteria (2017-06-29). Collection method: curation. Allele origin: germline. Study: ENIGMA.
Comment: Variant allele predicted to encode a truncated non-functional protein.

GeneDx
Classification: Pathogenic. Last evaluated: 2017-01-30. Review status: criteria provided, single submitter. Criteria: GeneDx Variant Classification (06012015). Collection method: clinical testing. Allele origin: germline. Affected: yes. Not counted in ClinVar's aggregate classification.
Comment: This variant is denoted BRCA2 c.913G>T at the cDNA level and p.Glu305Ter (E305X) at the protein level. The substitution creates a nonsense variant, which changes a Glutamic Acid to a premature stop codon (GAA>TAA), and is predicted to cause loss of normal protein function through either protein truncation or nonsense-mediated mRNA decay. Although this variant has not, to our knowledge, been reported in the literature, it is considered pathogenic.

NM_000059.4(BRCA2):c.913G>T (p.Glu305Ter)

Gene: BRCA2 (BRCA2 DNA repair associated; plus strand). Cytogenetic location: 13q13.1.
Variant type: single nucleotide variant.
Coding change: c.913G>T on transcript NM_000059.4 (MANE Select); coding-DNA position 913, G replaced by T.
Protein change: p.Glu305Ter; replaces glutamic acid 305 with a stop codon.
Molecular consequence: nonsense.
Genome position (GRCh38, 1-based): chr13:32,332,391, G>T. VCF-style: chr13-32332391-G-T. GRCh37 (hg19) VCF-style: chr13-32906528-G-T.
Other names: short protein forms E305*.
Identifiers: ClinVar variation 423221 (VCV000423221.2), dbSNP rs80359169, ClinGen allele CA16619652.